The following is an entry in ClinVar:

NM_025233.7(COASY):c.1199G>A (p.Gly400Asp)

Gene: COASY (Coenzyme A synthase; plus strand). Cytogenetic location: 17q21.2.
Variant type: single nucleotide variant.
Coding change: c.1199G>A on transcript NM_025233.7 (MANE Select); coding-DNA position 1199, G replaced by A.
Protein change: p.Gly400Asp; replaces glycine 400 with aspartic acid.
Molecular consequence: missense variant.
Genome position (GRCh38, 1-based): chr17:42,564,860, G>A. VCF-style: chr17-42564860-G-A. GRCh37 (hg19) VCF-style: chr17-40716878-G-A.
Other names: c.1199G>A, p.Gly400Asp (NM_001042529.3); c.1286G>A, p.Gly429Asp (NM_001042532.4); short protein forms G429D, G400D.
Identifiers: ClinVar variation 2009731 (VCV002009731.4), dbSNP rs2510682575, ClinGen allele CA399597437.

ClinVar aggregate classification (germline): Uncertain significance (1 of 4 stars; one submission).

Conditions:
Neurodegeneration with brain iron accumulation 6 (NBIA6). Also called: COASY protein-associated neurodegeneration. Identifiers: Orphanet 397725, MedGen C4517377, MONDO:0014290, OMIM 615643.

Submission:

Labcorp Genetics (formerly Invitae), Labcorp
Classification: Uncertain significance for Neurodegeneration with brain iron accumulation 6. Last evaluated: 2023-08-17. Review status: criteria provided, single submitter. Criteria: Invitae Variant Classification Sherloc (09022015). Collection method: clinical testing. Allele origin: germline.
Comment: This sequence change replaces glycine, which is neutral and non-polar, with aspartic acid, which is acidic and polar, at codon 400 of the COASY protein (p.Gly400Asp). This variant is not present in population databases (gnomAD no frequency). This variant has not been reported in the literature in individuals affected with COASY-related conditions. ClinVar contains an entry for this variant (Variation ID: 2009731). Advanced modeling of protein sequence and biophysical properties (such as structural, functional, and spatial information, amino acid conservation, physicochemical variation, residue mobility, and thermodynamic stability) performed at Invitae indicates that this missense variant is not expected to disrupt COASY protein function. In summary, the available evidence is currently insufficient to determine the role of this variant in disease. Therefore, it has been classified as a Variant of Uncertain Significance.